The following is an entry in ClinVar:

NM_000843.4(GRM6):c.299C>T (p.Ser100Leu)

Gene: GRM6 (glutamate metabotropic receptor 6; minus strand). Cytogenetic location: 5q35.3.
Variant type: single nucleotide variant.
Coding change: c.299C>T on transcript NM_000843.4 (MANE Select); coding-DNA position 299, C replaced by T.
Protein change: p.Ser100Leu; replaces serine 100 with leucine.
Molecular consequence: missense variant.
Genome position (GRCh38, 1-based): chr5:178,994,646, G>A on the plus strand (C>T on the coding strand, the complement: GRM6 is on the minus strand). VCF-style: chr5-178994646-G-A. GRCh37 (hg19) VCF-style: chr5-178421647-G-A.
Other names: short protein forms S100L.
Identifiers: ClinVar variation 2121960 (VCV002121960.4), dbSNP rs1464115346, ClinGen allele CA362436669.

ClinVar aggregate classification (germline): Uncertain significance (1 of 4 stars; one submission).

Submission:

Labcorp Genetics (formerly Invitae), Labcorp
Classification: Uncertain significance. Last evaluated: 2022-04-06. Review status: criteria provided, single submitter. Criteria: Invitae Variant Classification Sherloc (09022015). Collection method: clinical testing. Allele origin: germline.
Comment: This sequence change replaces serine, which is neutral and polar, with leucine, which is neutral and non-polar, at codon 100 of the GRM6 protein (p.Ser100Leu). This variant is not present in population databases (gnomAD no frequency). This variant has not been reported in the literature in individuals affected with GRM6-related conditions. Algorithms developed to predict the effect of missense changes on protein structure and function are either unavailable or do not agree on the potential impact of this missense change (SIFT: "Deleterious"; PolyPhen-2: "Possibly Damaging"; Align-GVGD: "Class C0"). In summary, the available evidence is currently insufficient to determine the role of this variant in disease. Therefore, it has been classified as a Variant of Uncertain Significance.